The following is an entry in ClinVar:

NM_002417.5(MKI67):c.8743C>T (p.Leu2915=)

Gene: MKI67 (marker of proliferation Ki-67; minus strand). Cytogenetic location: 10q26.2.
Variant type: single nucleotide variant.
Coding change: c.8743C>T on transcript NM_002417.5 (MANE Select); coding-DNA position 8743, C replaced by T.
Protein change: p.Leu2915=; no amino-acid change (leucine 2915 retained).
Molecular consequence: synonymous variant.
Genome position (GRCh38, 1-based): chr10:128,103,097, G>A on the plus strand (C>T on the coding strand, the complement: MKI67 is on the minus strand). VCF-style: chr10-128103097-G-A. GRCh37 (hg19) VCF-style: chr10-129901361-G-A.
Other names: c.7663C>T, p.Leu2555= (NM_001145966.2).
Identifiers: ClinVar variation 2640963 (VCV002640963.24), dbSNP rs149549696, ClinGen allele CA5745908.

ClinVar aggregate classification (germline): Likely benign (1 of 4 stars; one submission).

Allele frequency attached by ClinVar (database versions not stated): gnomAD exomes 0.00004; ExAC 0.00009; TOPMed 0.00023; gnomAD 0.00028; 1000 Genomes Project 30x 0.00031; ESP Exome Variant Server 0.00031; 1000 Genomes Project 0.00040.
gnomAD v4.1: 115 of 1,614,262 alleles (0.0071%); highest among the groups gnomAD compares: African/African-American, 0.089%; no homozygotes.

Submission:

CeGaT Center for Human Genetics Tuebingen
Classification: Likely benign. Last evaluated: 2022-12-01. Review status: criteria provided, single submitter. Criteria: CeGaT Center For Human Genetics Tuebingen Variant Classification Criteria Version 2. Collection method: clinical testing. Allele origin: germline. Affected: yes. Observed: 1 variant allele.
Comment: MKI67: BP4, BP7